The following is an entry in ClinVar:

ClinVar aggregate classification (germline): Pathogenic. Review status: reviewed by expert panel (3 of 4 stars). 10 submissions from 10 submitters: Pathogenic (1). 9 of the submissions do not count toward it. Last evaluated 2024-02-20.

Conditions:
Leber congenital amaurosis 2 (LCA2). Also called: Autosomal Recessive RPE65-Related Retinal Degeneration; AMAUROSIS CONGENITA OF LEBER II. Identifiers: Orphanet 65, MedGen C1859844, MONDO:0008765, OMIM 204100. Disease mechanism: loss of function.
Retinitis pigmentosa 20 (RP20). Identifiers: Orphanet 791, MedGen C3151086, MONDO:0013425, OMIM 613794.
Retinitis pigmentosa 87 with choroidal involvement. Identifiers: MedGen C5231465, MONDO:0032873, OMIM 618697.
RPE65-related recessive retinopathy. Also called: Recessive RPE65 retinopathy. Identifiers: MedGen CN305526, MONDO:0100368.
Leber congenital amaurosis (LCA). Also called: Leber's amaurosis. Identifiers: Orphanet 65, MedGen C0339527, MeSH D057130, MONDO:0018998.

Submissions (10):

ClinGen Leber Congenital Amaurosis/early Onset Retinal Dystrophy Variant Curation Expert Panel, ClinGen
Classification: Pathogenic for RPE65-related recessive retinopathy. Last evaluated: 2024-02-20. Review status: reviewed by expert panel. Criteria: ClinGen LCAeoRD ACMG Specifications RPE65 V1.0.0. Collection method: curation. Allele origin: germline. Inheritance: Autosomal recessive inheritance.
Comment: NM_000329.2(RPE65):c.292_311del (p.Ile98Hisfs) is a deletion variant in exon 4 of 14 that causes a frameshift and introduces a premature stop after 26 codons. This frameshift is predicted to trigger nonsense mediated decay in a gene in which loss-of-function is an established mechanism of disease (PVS1). A number of affected patients have been reported harboring this variant, including at least 2 probands with early-onset severe retinal dystrophy who were homozygous for the variant (1 point, PMID: 30870047, PM3). This variant has a Grpmax filtering allele frequency of 0.0001565 (10/34580) in the Latino / Admixed American population in gnomAD v2.1.1 (with no homozygotes). This allele frequency is lower than the ClinGen LCA/eoRD VCEP threshold (<0.0002) (PM2_Supporting). In summary, this variant meets the criteria to be classified as pathogenic for RPE65-related recessive retinopathy based on the ACMG/AMP criteria applied, as specified by the ClinGen LCA/eoRD VCEP: PVS1, PM3, and PM2_Supporting. (VCEP specifications version 1.0.0; date of approval 09/21/2023).

Labcorp Genetics (formerly Invitae), Labcorp
Classification: Pathogenic for Leber congenital amaurosis 2; Retinitis pigmentosa 20. Last evaluated: 2026-01-12. Review status: criteria provided, single submitter. Criteria: Invitae Variant Classification Sherloc (09022015). Collection method: clinical testing. Allele origin: germline. Not counted in ClinVar's aggregate classification.
Comment: This sequence change creates a premature translational stop signal (p.Ile98Hisfs*26) in the RPE65 gene. It is expected to result in an absent or disrupted protein product. Loss-of-function variants in RPE65 are known to be pathogenic (PMID: 9326941, 9501220, 9843205, 18632300). This variant is present in population databases (rs767212885, gnomAD 0.03%). This premature translational stop signal has been observed in individuals with RPE65-related conditions (PMID: 10766140, 28181551). ClinVar contains an entry for this variant (Variation ID: 98860). For these reasons, this variant has been classified as Pathogenic.

Natera, Inc.
Classification: Pathogenic for Leber congenital amaurosis. Last evaluated: 2025-12-22. Review status: criteria provided, single submitter. Criteria: Natera Variant Classification Schema (03/2026). Collection method: clinical testing. Allele origin: germline. Not counted in ClinVar's aggregate classification.
Comment: The c.292_311delATCGTCATAACAGAATTTGG variant in RPE65 is a frameshift variant predicted to shift the reading frame beginning at codon 98 and leads to a stop codon 26 codons downstream. This variant is expected to result in nonsense mediated decay, truncation, or a dysfunctional protein product. This variant is rare in the general population with a frequency below the threshold expected for the associated phenotype(s). This variant has been observed in one or more individuals affected with the associated recessive disease, as either homozygous or compound heterozygous with a second variant (PMID: 34492281). Additionally, this variant has been observed to segregate in affected family members (PMID: 34492281). Given the available evidence, this variant is classified as Pathogenic.

Fulgent Genetics
Classification: Pathogenic for Leber congenital amaurosis 2; Retinitis pigmentosa 20; Retinitis pigmentosa 87 with choroidal involvement. Last evaluated: 2024-05-31. Review status: criteria provided, single submitter. Criteria: ACMG Guidelines, 2015. Collection method: clinical testing. Allele origin: germline. Not counted in ClinVar's aggregate classification.

3billion
Classification: Pathogenic for Retinitis pigmentosa 20. Last evaluated: 2024-02-01. Review status: criteria provided, single submitter. Criteria: ACMG Guidelines, 2015. Collection method: clinical testing. Allele origin: germline. Affected: yes. Not counted in ClinVar's aggregate classification.
Comment: The variant is observed at an extremely low frequency in the gnomAD v2.1.1 dataset (total allele frequency: 0.004%). Predicted Consequence/Location: Frameshift: predicted to result in a loss or disruption of normal protein function through nonsense-mediated decay (NMD) or protein truncation. Multiple pathogenic variants are reported downstream of the variant. The variant has been reported at least twice as pathogenic with clinical assertions and evidence for the classification (ClinVar ID: VCV000098860 /PMID: 10766140, 32347917, 35129589 /3billion dataset). Therefore, this variant is classified as Pathogenic according to the recommendation of ACMG/AMP guideline.

Baylor Genetics
Classification: Pathogenic for Leber congenital amaurosis 2. Last evaluated: 2023-08-10. Review status: criteria provided, single submitter. Criteria: ACMG Guidelines, 2015. Collection method: clinical testing. Allele origin: unknown. Not counted in ClinVar's aggregate classification.

GeneDx
Classification: Pathogenic. Last evaluated: 2020-01-13. Review status: criteria provided, single submitter. Criteria: GeneDx Variant Classification Process June 2021. Collection method: clinical testing. Allele origin: germline. Affected: yes. Not counted in ClinVar's aggregate classification.
Comment: Frameshift variant predicted to result in protein truncation or nonsense mediated decay in a gene for which loss-of-function is a known mechanism of disease; This variant is associated with the following publications: (PMID: 32865313, 31589614, 30870047, 10766140, 28181551)

Mendelics
Classification: Pathogenic for Leber congenital amaurosis 2. Last evaluated: 2019-05-28. Review status: criteria provided, single submitter. Criteria: Mendelics Assertion Criteria 2017. Collection method: clinical testing. Allele origin: unknown. Not counted in ClinVar's aggregate classification.

Cytogenetics and Genomics Laboratory, Medical University of South Carolina
Classification: Pathogenic for Leber congenital amaurosis. Last evaluated: 2018-06-01. Review status: criteria provided, single submitter. Criteria: ACMG Guidelines, 2015. Collection method: research. Allele origin: inherited. Affected: yes. Observed: 22 variant alleles. Not counted in ClinVar's aggregate classification.

Retina International
No classification provided. Review status: no classification provided. Collection method: not provided. Allele origin: not provided. Not counted in ClinVar's aggregate classification.

Literature cited by the submitters: PubMed 9326941 (cited by Labcorp Genetics (formerly Invitae), Labcorp); PubMed 9501220 (cited by Labcorp Genetics (formerly Invitae), Labcorp); PubMed 9843205 (cited by Labcorp Genetics (formerly Invitae), Labcorp); PubMed 18632300 (cited by Labcorp Genetics (formerly Invitae), Labcorp); PubMed 10766140 (cited by Labcorp Genetics (formerly Invitae), Labcorp and 3billion); PubMed 28181551 (cited by Labcorp Genetics (formerly Invitae), Labcorp); PubMed 34492281 (cited by Natera, Inc.).

NM_000329.2(RPE65):c.292_311del (p.Ile98Hisfs)

Gene: RPE65 (retinoid isomerohydrolase RPE65; minus strand). Cytogenetic location: 1p31.3.
Variant type: Deletion.
Coding change: c.292_311del on transcript NM_000329.2; coding-DNA positions 292 to 311, 20 bases deleted (ATCGTCATAACAGAATTTGG).
Protein change: p.Ile98Hisfs; shifts the reading frame from isoleucine 98.
Molecular consequence: frameshift variant (on NM_000329.3).
Genome position (GRCh38, 1-based): chr1:68,444,818-68,444,837, CCAAATTCTGTTATGACGAT deleted on the plus strand (ATCGTCATAACAGAATTTGG on the coding strand, the reverse complement: RPE65 is on the minus strand); deleting any 20 consecutive bases within chr1:68,444,818-68,444,839 gives the same sequence; the c. name uses the placement nearest the transcript's 3' end. VCF-style (leftmost placement, unchanged base first): chr1-68444817-GCCAAATTCTGTTATGACGAT-G. GRCh37 (hg19) VCF-style: chr1-68910500-GCCAAATTCTGTTATGACGAT-G.
Other names: NM_000329.2(RPE65):c.292_311del; p.Ile98Hisfs; c.292_311del, p.Ile98fs (NM_000329.3); short protein forms I98fs.
Identifiers: ClinVar variation 98860 (VCV000098860.23), dbSNP rs62642583, ClinGen allele CA226536.